The following is an entry in ClinVar:

NM_000132.4(F8):c.7033T>C (p.Cys2345Arg)

Gene: F8 (coagulation factor VIII; minus strand). Cytogenetic location: Xq28.
Variant type: single nucleotide variant.
Coding change: c.7033T>C on transcript NM_000132.4 (MANE Select); coding-DNA position 7033, T replaced by C.
Protein change: p.Cys2345Arg; replaces cysteine 2345 with arginine.
Molecular consequence: missense variant.
Genome position (GRCh38, 1-based): chrX:154,837,620, A>G on the plus strand (T>C on the coding strand, the complement: F8 is on the minus strand). VCF-style: chrX-154837620-A-G. GRCh37 (hg19) VCF-style: chrX-154065895-A-G.
Other names: NM_019863.3:c.628T>C; c.628T>C, p.Cys210Arg (NM_019863.3); short protein forms C210R, C2345R.
Identifiers: ClinVar variation 3387785 (VCV003387785.1).

ClinVar aggregate classification (germline): Likely pathogenic (3 of 4 stars; one submission).

Conditions:
Hereditary factor VIII deficiency disease (HEMA). Also called: HEMOPHILIA, CLASSIC; AUTOSOMAL HEMOPHILIA A; Hemophilia A; Hemophilia A, congenital; HEM A; Factor 8 deficiency, congenital. Identifiers: Orphanet 98878, MedGen C0019069, MONDO:0010602, OMIM 306700.

Submission:

ClinGen Coagulation Factor Deficiency Variant Curation Expert Panel, Clingen
Classification: Likely pathogenic for Hereditary factor VIII deficiency disease. Last evaluated: 2024-10-16. Review status: reviewed by expert panel. Criteria: ClinGen CoagFactor ACMG Specifications F8 V1.0.0. Collection method: curation. Allele origin: germline.
Comment: The c.7033T>C (NM_000132.3) variant in F8 is a missense variant predicted to cause substitution of cysteine by arginine at amino acid 2345 (p.Cys2345Arg). This variant has been reported in a patient described as having hemophilia A, however phenotypic information is not available for evaluation (PMID: 20028422). This variant is absent from males in population databases (gnomAD v4.1). The variant has a REVEL score of 0.906 (threshold >0.6) meeting PP3 criteria. There is at least 1 proband with severe Hemophilia A, meeting phenotypic criteria for F8. A different missense variant causing a change at the same residue (p.Cys2345Trp) has been established as pathogenic using CFD-VCEP rules for F8/F9 and spliceAI predicts no impact on splicing. In summary, based on the evidence available at this time, the clinical significance of this variant is uncertain. ACMG/AMP criteria applied, as specified by the Coagulation Factor Deficiency Variant Curation Expert Panel for F8: PM5_moderate, PP3, PM2_Supporting, PP4_moderate. (ClinGen Coagulation Factor Deficiency Expert Panel Specifications to the ACMG/AMP Variant Interpretation Guidelines for F8 Version 1.0.0., Released 10/5/2023).